The following is an entry in ClinVar:

NM_001353345.2(SETD1B):c.624C>T (p.Asp208=)

Gene: SETD1B (SET domain containing 1B, histone lysine methyltransferase; plus strand). Cytogenetic location: 12q24.31.
Variant type: single nucleotide variant.
Coding change: c.624C>T on transcript NM_001353345.2 (MANE Select); coding-DNA position 624, C replaced by T.
Protein change: p.Asp208=; no amino-acid change (aspartic acid 208 retained).
Molecular consequence: synonymous variant.
Genome position (GRCh38, 1-based): chr12:121,808,287, C>T. VCF-style: chr12-121808287-C-T. GRCh37 (hg19) VCF-style: chr12-122246193-C-T.
Other names: NM_015048.1:c.624C>T.
Identifiers: ClinVar variation 3050587 (VCV003050587.3), dbSNP rs148236331, ClinGen allele CA6838783.

ClinVar aggregate classification (germline): Likely benign. Review status: criteria provided, single submitter (1 of 4 stars). 2 submissions from 2 submitters: Likely benign (1). 1 of the submissions does not count toward it. Last evaluated 2024-11-25.

Conditions:
SETD1B-related disorder. Also called: SETD1B-related condition.

Allele frequency attached by ClinVar (database versions not stated): gnomAD exomes 0.00027; ExAC 0.00056; ESP Exome Variant Server 0.00197; 1000 Genomes Project 0.00240; 1000 Genomes Project 30x 0.00265; gnomAD 0.00278; TOPMed 0.00316.
gnomAD v4.1: 826 of 1,550,634 alleles (0.053%); highest among the groups gnomAD compares: African/African-American, 0.97%; 5 homozygotes.

Submissions (2):

Blueprint Genetics
Classification: Likely benign. Last evaluated: 2024-11-25. Review status: criteria provided, single submitter. Criteria: ACMG Guidelines, 2015. Collection method: clinical testing. Allele origin: germline.

PreventionGenetics, part of Exact Sciences
Classification: Benign for SETD1B-related condition. Last evaluated: 2019-07-23. Review status: no assertion criteria provided. Collection method: clinical testing. Allele origin: germline. Not counted in ClinVar's aggregate classification.
Comment: This variant is classified as benign based on ACMG/AMP sequence variant interpretation guidelines (Richards et al. 2015 PMID: 25741868, with internal and published modifications).